The following is an entry in ClinVar:

NM_138694.4(PKHD1):c.6691A>G (p.Ile2231Val)

Gene: PKHD1 (PKHD1 ciliary IPT domain containing fibrocystin/polyductin; minus strand). Cytogenetic location: 6p12.2.
Variant type: single nucleotide variant.
Coding change: c.6691A>G on transcript NM_138694.4 (MANE Select); coding-DNA position 6691, A replaced by G.
Protein change: p.Ile2231Val; replaces isoleucine 2231 with valine.
Molecular consequence: missense variant.
Genome position (GRCh38, 1-based): chr6:51,906,332, T>C on the plus strand (A>G on the coding strand, the complement: PKHD1 is on the minus strand). VCF-style: chr6-51906332-T-C. GRCh37 (hg19) VCF-style: chr6-51771130-T-C.
Other names: c.6691A>G, p.Ile2231Val (NM_170724.3); short protein forms I2231V.
Identifiers: ClinVar variation 1426440 (VCV001426440.5), dbSNP rs2127637295, ClinGen allele CA364433258.

ClinVar aggregate classification (germline): Uncertain significance (1 of 4 stars; one submission).

Conditions:
Autosomal recessive polycystic kidney disease (ARPKD). Also called: AR polycystic kidney disease. Identifiers: Orphanet 731, Orphanet 8378, MedGen C0085548, MeSH D017044, MONDO:0009889.

Allele frequency attached by ClinVar (database versions not stated): gnomAD exomes below 0.00001.
gnomAD v4.1: 3 of 1,611,200 alleles (0.00019%); highest among the groups gnomAD compares: Non-Finnish European, 0.00025%; no homozygotes.

Submission:

Labcorp Genetics (formerly Invitae), Labcorp
Classification: Uncertain significance for Autosomal recessive polycystic kidney disease. Last evaluated: 2021-08-28. Review status: criteria provided, single submitter. Criteria: Invitae Variant Classification Sherloc (09022015). Collection method: clinical testing. Allele origin: germline.
Comment: This sequence change replaces isoleucine with valine at codon 2231 of the PKHD1 protein (p.Ile2231Val). The isoleucine residue is moderately conserved and there is a small physicochemical difference between isoleucine and valine. This variant is not present in population databases (ExAC no frequency). This variant has not been reported in the literature in individuals affected with PKHD1-related conditions. Advanced modeling of protein sequence and biophysical properties (such as structural, functional, and spatial information, amino acid conservation, physicochemical variation, residue mobility, and thermodynamic stability) performed at Invitae indicates that this missense variant is not expected to disrupt PKHD1 protein function. In summary, the available evidence is currently insufficient to determine the role of this variant in disease. Therefore, it has been classified as a Variant of Uncertain Significance.